The following is an entry in ClinVar:

NM_001112741.2(KCNC1):c.937G>A (p.Val313Ile)

Gene: KCNC1 (potassium voltage-gated channel subfamily C member 1; plus strand). Cytogenetic location: 11p15.1.
Variant type: single nucleotide variant.
Coding change: c.937G>A on transcript NM_001112741.2 (MANE Select); coding-DNA position 937, G replaced by A.
Protein change: p.Val313Ile; replaces valine 313 with isoleucine.
Molecular consequence: missense variant.
Genome position (GRCh38, 1-based): chr11:17,772,031, G>A. VCF-style: chr11-17772031-G-A. GRCh37 (hg19) VCF-style: chr11-17793578-G-A.
Other names: c.937G>A, p.Val313Ile (NM_004976.4); short protein forms V313I.
Identifiers: ClinVar variation 3339904 (VCV003339904.1).

ClinVar aggregate classification (germline): Uncertain significance (1 of 4 stars; one submission).

Submission:

Women's Health and Genetics/Laboratory Corporation of America, LabCorp
Classification: Uncertain significance. Last evaluated: 2024-06-20. Review status: criteria provided, single submitter. Criteria: LabCorp Variant Classification Summary - May 2015. Collection method: clinical testing. Allele origin: germline.
Comment: Variant summary: KCNC1 c.937G>A (p.Val313Ile) results in a conservative amino acid change located in the Ion transport domain (IPR005821) of the encoded protein sequence. Three of five in-silico tools predict a benign effect of the variant on protein function. The frequency data for this variant in gnomAD is considered unreliable, as metrics indicate poor data quality at this position. To our knowledge, no occurrence of c.937G>A in individuals affected with Epilepsy, Progressive Myoclonic 7 and no experimental evidence demonstrating its impact on protein function have been reported. No submitters have cited clinical-significance assessments for this variant to ClinVar. Based on the evidence outlined above, the variant was classified as uncertain significance.